The following is an entry in ClinVar:

ClinVar aggregate classification (germline): Likely benign (1 of 4 stars; one submission).

Submission:

CeGaT Center for Human Genetics Tuebingen
Classification: Likely benign. Last evaluated: 2026-07-01. Review status: criteria provided, single submitter. Criteria: CeGaT Center For Human Genetics Tuebingen Variant Classification Criteria Version 2. Collection method: clinical testing. Allele origin: germline. Affected: yes. Observed: 1 variant allele.
Comment: INS-IGF2: BP4, BP7

NM_001042376.3(INS-IGF2):c.351G>A (p.Pro117=)

Genes: IGF2 (insulin like growth factor 2; minus strand), INS-IGF2 (INS-IGF2 readthrough; minus strand). Cytogenetic location: 11p15.5.
Variant type: single nucleotide variant.
Coding change: c.351G>A on transcript NM_001042376.3; coding-DNA position 351, G replaced by A.
Protein change: p.Pro117=; no amino-acid change (proline 117 retained).
Molecular consequence: synonymous variant. On other transcripts: 5 prime UTR variant (1), non-coding transcript variant (1).
Genome position (GRCh38, 1-based): chr11:2,149,182, C>T on the plus strand (G>A on the coding strand, the complement: INS-IGF2 is on the minus strand). VCF-style: chr11-2149182-C-T. GRCh37 (hg19) VCF-style: chr11-2170412-C-T.
Other names: c.-305G>A (NM_001007139.6).
Identifiers: ClinVar variation 5039328 (VCV005039328.1).